The following is an entry in ClinVar:

ClinVar aggregate classification (germline): Uncertain significance (1 of 4 stars; one submission).

Conditions:
Early-infantile DEE. Also called: Early infantile epileptic encephalopathy; Ohtahara syndrome; Early infantile epileptic encephalopathy with suppression bursts. Identifiers: Orphanet 1934, MedGen C0393706, MONDO:0800491.

Submission:

Labcorp Genetics (formerly Invitae), Labcorp
Classification: Uncertain significance for Early-infantile DEE. Last evaluated: 2023-05-27. Review status: criteria provided, single submitter. Criteria: Invitae Variant Classification Sherloc (09022015). Collection method: clinical testing. Allele origin: germline.
Comment: This variant is not present in population databases (gnomAD no frequency). In summary, the available evidence is currently insufficient to determine the role of this variant in disease. Therefore, it has been classified as a Variant of Uncertain Significance. Advanced modeling of protein sequence and biophysical properties (such as structural, functional, and spatial information, amino acid conservation, physicochemical variation, residue mobility, and thermodynamic stability) has been performed at Invitae for this missense variant, however the output from this modeling did not meet the statistical confidence thresholds required to predict the impact of this variant on GNAO1 protein function. ClinVar contains an entry for this variant (Variation ID: 1973644). This variant has not been reported in the literature in individuals affected with GNAO1-related conditions. This sequence change replaces threonine, which is neutral and polar, with alanine, which is neutral and non-polar, at codon 77 of the GNAO1 protein (p.Thr77Ala).

NM_020988.3(GNAO1):c.229A>G (p.Thr77Ala)

Gene: GNAO1 (G protein subunit alpha o1; plus strand). Cytogenetic location: 16q13.
Variant type: single nucleotide variant.
Coding change: c.229A>G on transcript NM_020988.3 (MANE Select); coding-DNA position 229, A replaced by G.
Protein change: p.Thr77Ala; replaces threonine 77 with alanine.
Molecular consequence: missense variant.
Genome position (GRCh38, 1-based): chr16:56,275,998, A>G. VCF-style: chr16-56275998-A-G. GRCh37 (hg19) VCF-style: chr16-56309910-A-G.
Other names: c.229A>G, p.Thr77Ala (NM_138736.3); short protein forms T77A.
Identifiers: ClinVar variation 1973644 (VCV001973644.5), dbSNP rs1596836465, ClinGen allele CA396128109.